The following is an entry in ClinVar:

ClinVar aggregate classification (germline): Conflicting classifications of pathogenicity. Review status: criteria provided, conflicting classifications (1 of 4 stars). 9 submissions from 9 submitters: Pathogenic (1); Likely pathogenic (3); Uncertain significance (5). Last evaluated 2026-02-04.

Conditions:
Charcot-Marie-Tooth disease type 4C (CMT4C). Also called: CHARCOT-MARIE-TOOTH DISEASE, DEMYELINATING, AUTOSOMAL RECESSIVE, TYPE 4C; SH3TC2-Related Hereditary Motor and Sensory Neuropathy; CMT 4C; Charcot-Marie-Tooth Neuropathy Type 4C (CMT4C); CHARCOT-MARIE-TOOTH DISEASE, DEMYELINATING, TYPE 4C. Identifiers: Orphanet 99949, MedGen C1866636, MONDO:0011113, OMIM 601596.
SH3TC2-related disorder. Also called: SH3TC2-related disorders; SH3TC2-related condition. Identifiers: MedGen CN239303.
Inborn genetic diseases. Identifiers: MedGen C0950123, MeSH D030342.
Charcot-Marie-Tooth disease. Also called: Charcot-Marie-Tooth Hereditary Neuropathy; Charcot-Marie-Tooth Neuropathy. Identifiers: Orphanet 166, MedGen C0007959, MONDO:0015626.
Susceptibility to mononeuropathy of the median nerve, mild. Also called: CARPAL TUNNEL SYNDROME, SUSCEPTIBILITY TO. Identifiers: MedGen C3150596, MONDO:0013237, OMIM 613353.
Charcot-Marie-Tooth disease type 4. Also called: Charcot-Marie-Tooth, Type 4; Charcot-Marie-Tooth disease, type IV. Identifiers: Orphanet 64749, MedGen C4082197, MONDO:0018995.

Allele frequency attached by ClinVar (database versions not stated): ExAC 0.00001; gnomAD 0.00001; gnomAD exomes 0.00001 and 0.00006; TOPMed 0.00002; 1000 Genomes Project 0.00020; 1000 Genomes Project 30x 0.00016.
gnomAD v4.1: 17 of 1,614,182 alleles (0.0011%); highest among the groups gnomAD compares: East Asian, 0.036%; no homozygotes.

Submissions (9):

PreventionGenetics, part of Exact Sciences
Classification: Uncertain significance for SH3TC2-related condition. Last evaluated: 2026-02-04. Review status: criteria provided, single submitter. Criteria: ACMG Guidelines, 2015. Collection method: clinical testing. Allele origin: germline.
Comment: The SH3TC2 c.3143T>C variant is predicted to result in the amino acid substitution p.Leu1048Pro. This variant has been reported in the compound heterozygous state in individuals with Charcot-Marie-Tooth disease (Duan et al. 2021. PubMed ID: 33643188; Hsu et al. 2019. PubMed ID: 31211173) and in the heterozygous state without a second SH3TC2 variant identified (Zhao et al. 2018. PubMed ID: 29336362). This variant has been reported in individuals with Charcot-Marie-Tooth disease (Supplementary Table 2, Volodarsky et al. 2021. PubMed ID: 32376792; Supplementary Table 2, Xie et al. 2021. PubMed ID: 34255403); however, additional information about zygosity, number of individuals, and/or additional variants were not provided. This variant is reported in 0.082% of alleles in individuals of East Asian descent in gnomAD. At this time, the clinical significance of this variant is uncertain due to the absence of conclusive functional and genetic evidence.

Medical and Scientific Branch, Hong Kong Genome Institute
Classification: Likely pathogenic for Charcot-Marie-Tooth disease type 4C. Last evaluated: 2026-01-26. Review status: criteria provided, single submitter. Criteria: ACMG Guidelines, 2015. Collection method: clinical testing. Allele origin: unknown. Affected: yes.

Women's Health and Genetics/Laboratory Corporation of America, LabCorp
Classification: Likely pathogenic for Charcot-Marie-Tooth disease type 4C. Last evaluated: 2025-05-23. Review status: criteria provided, single submitter. Criteria: LabCorp Variant Classification Summary - May 2015. Collection method: clinical testing. Allele origin: germline.
Comment: Variant summary: SH3TC2 c.3143T>C (p.Leu1048Pro) results in a non-conservative amino acid change in the encoded protein sequence. Algorithms developed to predict the effect of missense changes on protein structure and function all suggest that this variant is likely to be disruptive. The variant allele was found at a frequency of 6e-05 in 251314 control chromosomes (gnomAD). This frequency is not significantly higher than estimated for a pathogenic variant in SH3TC2 causing Charcot-Marie-Tooth disease type 4C, allowing no conclusion about variant significance. . c.3143T>C has been reported in the literature in individuals affected with Charcot-Marie-Tooth disease type 4C (Zhao_2018, Hsu_2019, Chen_2019, Volodarsky_2021, Duan_2021, Xie_2021, internal data). These data indicate that the variant is likely to be associated with disease. To our knowledge, no experimental evidence demonstrating an impact on protein function has been reported. The following publications have been ascertained in the context of this evaluation (PMID: 31372974, 33643188, 31211173, 32376792, 34255403, 29336362). ClinVar contains an entry for this variant (Variation ID: 805447). Based on the evidence outlined above, the variant was classified as likely pathogenic.

Labcorp Genetics (formerly Invitae), Labcorp
Classification: Pathogenic for Charcot-Marie-Tooth disease type 4. Last evaluated: 2024-10-29. Review status: criteria provided, single submitter. Criteria: Invitae Variant Classification Sherloc (09022015). Collection method: clinical testing. Allele origin: germline.
Comment: This sequence change replaces leucine, which is neutral and non-polar, with proline, which is neutral and non-polar, at codon 1048 of the SH3TC2 protein (p.Leu1048Pro). This variant is present in population databases (rs537759361, gnomAD 0.08%). This missense change has been observed in individual(s) with clinical features of Charcot-Marie-Tooth disease (PMID: 29336362, 31211173, 33643188; internal data). In at least one individual the data is consistent with being in trans (on the opposite chromosome) from a pathogenic variant. ClinVar contains an entry for this variant (Variation ID: 805447). Invitae Evidence Modeling of protein sequence and biophysical properties (such as structural, functional, and spatial information, amino acid conservation, physicochemical variation, residue mobility, and thermodynamic stability) indicates that this missense variant is expected to disrupt SH3TC2 protein function with a positive predictive value of 95%. For these reasons, this variant has been classified as Pathogenic.

Fulgent Genetics
Classification: Likely pathogenic for Charcot-Marie-Tooth disease type 4C; Susceptibility to mononeuropathy of the median nerve, mild. Last evaluated: 2024-03-05. Review status: criteria provided, single submitter. Criteria: ACMG Guidelines, 2015. Collection method: clinical testing. Allele origin: germline.

ARUP Laboratories, Molecular Genetics and Genomics, ARUP Laboratories
Classification: Uncertain significance. Last evaluated: 2022-06-22. Review status: criteria provided, single submitter. Criteria: ARUP Molecular Germline Variant Investigation Process 2021. Collection method: clinical testing. Allele origin: germline.
Comment: The SH3TC2 c.3143T>C, p.Leu1048Pro variant (rs537759361; ClinVar Variation ID: 805447) is reported in the literature in individuals affected with symptoms of Charcot-Marie-Tooth disease (Duan 2021, Hsu 2019, Volodarsky 2021, Zhao 2018). However, this variant has only been observed in trans with established pathogenic variation in a single individual (Duan 2021). This variant is found in the East Asian population with an allele frequency of 0.08% (15/18388 alleles) in the Genome Aggregation Database. The leucine at codon 1048 is highly conserved, and computational analyses predict that this variant is deleterious (REVEL: 0.855). Due to limited information, the clinical significance of this variant is uncertain at this time. References: Duan X et al. Characteristics of Clinical and Electrophysiological Pattern in a Large Cohort of Chinese Patients With Charcot-Marie-Tooth 4C. Front Neurol. 2021 Feb 12;12:598168. PMID: 33643188. Hsu YH et al. Mutation spectrum of Charcot-Marie-Tooth disease among the Han Chinese in Taiwan. Ann Clin Transl Neurol. 2019 May 27;6(6):1090-1101. PMID: 31211173. Volodarsky M et al. Comprehensive genetic sequence and copy number analysis for Charcot-Marie-Tooth disease in a Canadian cohort of 2517 patients. J Med Genet. 2021 Apr;58(4):284-288. PMID: 32376792. Zhao X et al. Screening for SH3TC2, PMP2, and BSCL2 Variants in a Cohort of Chinese Patients with Charcot-Marie-Tooth. Chin Med J (Engl). 2018 Jan 20;131(2):151-155. PMID: 29336362.

Ambry Genetics
Classification: Uncertain significance for Inborn genetic diseases. Last evaluated: 2020-08-27. Review status: criteria provided, single submitter. Criteria: Ambry Variant Classification Scheme 2023. Collection method: clinical testing. Allele origin: germline.
Comment: The p.L1048P variant (also known as c.3143T>C), located in coding exon 13 of the SH3TC2 gene, results from a T to C substitution at nucleotide position 3143. The leucine at codon 1048 is replaced by proline, an amino acid with similar properties. In addition, this variant was reported to be compound heterozygous with another SH3TC2 variant (p.L139del, c.415_417del) in a Chinese CMT cohort; however, clinical details were limited (Hsu YH et al. Ann Clin Transl Neurol, 2019 Jun;6:1090-1101). This amino acid position is highly conserved in available vertebrate species. In addition, this alteration is predicted to be deleterious by in silico analysis. Since supporting evidence is limited at this time, the clinical significance of this alteration remains unclear.

Athena Diagnostics
Classification: Uncertain significance. Last evaluated: 2018-12-19. Review status: criteria provided, single submitter. Criteria: Athena Diagnostics Criteria. Collection method: clinical testing. Allele origin: germline.

Molecular Genetics Laboratory, London Health Sciences Centre
Classification: Uncertain significance for Charcot-Marie-Tooth disease. Review status: criteria provided, single submitter. Criteria: ACMG Guidelines, 2015. Collection method: clinical testing. Allele origin: germline. Affected: yes.

Literature cited by the submitters: PubMed 32376792 (cited by Women's Health and Genetics/Laboratory Corporation of America, LabCorp); PubMed 31372974 (cited by Women's Health and Genetics/Laboratory Corporation of America, LabCorp and Ambry Genetics); PubMed 33643188 (cited by Women's Health and Genetics/Laboratory Corporation of America, LabCorp and Labcorp Genetics (formerly Invitae), Labcorp); PubMed 31211173 (cited by 3 submitters); PubMed 34255403 (cited by Women's Health and Genetics/Laboratory Corporation of America, LabCorp); PubMed 29336362 (cited by 4 submitters).

NM_024577.4(SH3TC2):c.3143T>C (p.Leu1048Pro)

Gene: SH3TC2 (SH3 domain and tetratricopeptide repeats 2; minus strand). Cytogenetic location: 5q32.
Variant type: single nucleotide variant.
Coding change: c.3143T>C on transcript NM_024577.4 (MANE Select); coding-DNA position 3143, T replaced by C.
Protein change: p.Leu1048Pro; replaces leucine 1048 with proline.
Molecular consequence: missense variant.
Genome position (GRCh38, 1-based): chr5:149,012,645, A>G on the plus strand (T>C on the coding strand, the complement: SH3TC2 is on the minus strand). VCF-style: chr5-149012645-A-G. GRCh37 (hg19) VCF-style: chr5-148392208-A-G.
Other names: short protein forms L1048P.
Identifiers: ClinVar variation 805447 (VCV000805447.17), dbSNP rs537759361, ClinGen allele CA3498842.